The following is an entry in ClinVar:

ClinVar aggregate classification (germline): Likely benign (1 of 4 stars; one submission).

Conditions:
Hereditary cancer-predisposing syndrome. Also called: Neoplastic Syndromes, Hereditary; Tumor predisposition; Hereditary neoplastic syndrome; Hereditary Cancer Syndrome. Identifiers: Orphanet 140162, MedGen C0027672, MeSH D009386, MONDO:0015356.

Submission:

Institute for Biomarker Research, Medical Diagnostic Laboratories, L.L.C.
Classification: Likely benign for Hereditary cancer-predisposing syndrome. Last evaluated: 2025-02-06. Review status: criteria provided, single submitter. Criteria: ACMG Guidelines, 2015. Collection method: clinical testing. Allele origin: germline.
Comment: The intron variant NM_000051.4(ATM):c.6096-10T>A has not been reported previously as a pathogenic variant, to our knowledge. The c.6096-10T>A variant is novel (not in any individuals) in gnomAD. The c.6096-10T>A variant is not predicted to disrupt the existing acceptor splice site 8bp upstream by any splice site algorithm. The c.6096-10T>A variant results in a substitution of a base that is not predicted conserved by GERP++ and PhyloP. For these reasons, this variant has been classified as Likely Benign.

NM_000051.4(ATM):c.6096-10T>A

Genes: ATM (ATM serine/threonine kinase; plus strand), C11orf65 (chromosome 11 open reading frame 65; minus strand). Cytogenetic location: 11q22.3.
Variant type: single nucleotide variant.
Coding change: c.6096-10T>A on transcript NM_000051.4 (MANE Select); 10 bases into the intron before coding-DNA position 6096, T replaced by A.
Molecular consequence: intron variant.
Genome position (GRCh38, 1-based): chr11:108,316,001, T>A. VCF-style: chr11-108316001-T-A. GRCh37 (hg19) VCF-style: chr11-108186728-T-A.
Other names: c.6096-10T>A (NM_001351834.2); c.641-6930A>T (NM_001330368.2); c.*39-6930A>T (NM_001351110.2).
Identifiers: ClinVar variation 4294400 (VCV004294400.1).